The following is an entry in ClinVar:

NM_000368.5(TSC1):c.1498C>T (p.Arg500Ter)

Gene: TSC1 (TSC complex subunit 1; minus strand). Cytogenetic location: 9q34.13.
Variant type: single nucleotide variant.
Coding change: c.1498C>T on transcript NM_000368.5 (MANE Select); coding-DNA position 1498, C replaced by T.
Protein change: p.Arg500Ter; replaces arginine 500 with a stop codon.
Molecular consequence: nonsense.
Genome position (GRCh38, 1-based): chr9:132,906,080, G>A on the plus strand (C>T on the coding strand, the complement: TSC1 is on the minus strand). VCF-style: chr9-132906080-G-A. GRCh37 (hg19) VCF-style: chr9-135781467-G-A.
Other names: c.1495C>T, p.Arg499Ter (NM_001162426.2); c.1345C>T, p.Arg449Ter (NM_001162427.2); c.1135C>T, p.Arg379Ter (NM_001362177.2); short protein forms R500*, R379*, R499*, R449*.
Identifiers: ClinVar variation 48791 (VCV000048791.33), dbSNP rs118203537, ClinGen allele CA004940.

ClinVar aggregate classification (germline): Pathogenic/Likely pathogenic. Review status: criteria provided, multiple submitters, no conflicts (2 of 4 stars). 15 submissions from 15 submitters: Pathogenic (12); Likely pathogenic (1). 2 of the submissions do not count toward it. Last evaluated 2026-04-28.

Conditions:
TSC1-related disorder. Also called: TSC1-related condition.
Lymphangiomyomatosis (LAM). Also called: Lymphangioleiomyomatosis; Lymphangioleiomyomatosis, somatic. Identifiers: Orphanet 538, MedGen C0751674, MONDO:0011705, OMIM 606690.
Tuberous sclerosis 1 (TSC1). Identifiers: Orphanet 805, MedGen C1854465, MONDO:0008612, OMIM 191100.
Isolated focal cortical dysplasia type II (FCORD2). Also called: CORTICAL DYSPLASIA OF TAYLOR; Focal cortical dysplasia type II. Identifiers: Orphanet 268994, MedGen C1846385, MONDO:0011818, OMIM 607341, HP:0032051.
Hereditary cancer-predisposing syndrome. Also called: Tumor predisposition; Neoplastic Syndromes, Hereditary; Hereditary neoplastic syndrome; Hereditary Cancer Syndrome. Identifiers: Orphanet 140162, MedGen C0027672, MeSH D009386, MONDO:0015356.
Tuberous sclerosis syndrome (TSC). Also called: Tuberous Sclerosis Complex; Tuberous sclerosis. Identifiers: Orphanet 805, MedGen C0041341, MONDO:0001734.

Submissions (15):

Institute of Human Genetics, University of Leipzig Medical Center
Classification: Pathogenic for Tuberous sclerosis 1. Last evaluated: 2026-04-28. Review status: criteria provided, single submitter. Criteria: ACMG Guidelines, 2015. Collection method: clinical testing. Allele origin: unknown. Inheritance: Autosomal dominant inheritance. Affected: yes.
Comment: Criteria applied: PM2,PP4,PS2,PS4,PVS1

NHS Central & South Genomic Laboratory Hub
Classification: Pathogenic for Tuberous sclerosis. Last evaluated: 2025-10-21. Review status: criteria provided, single submitter. Criteria: ACMG Guidelines, 2015. Collection method: clinical testing. Allele origin: germline. Affected: yes.

Labcorp Genetics (formerly Invitae), Labcorp
Classification: Pathogenic for Tuberous sclerosis 1. Last evaluated: 2025-10-02. Review status: criteria provided, single submitter. Criteria: Invitae Variant Classification Sherloc (09022015). Collection method: clinical testing. Allele origin: germline.
Comment: This sequence change creates a premature translational stop signal (p.Arg500*) in the TSC1 gene. It is expected to result in an absent or disrupted protein product. Loss-of-function variants in TSC1 are known to be pathogenic (PMID: 10227394, 17304050). This variant is not present in population databases (gnomAD no frequency). This premature translational stop signal has been observed in individual(s) with tuberous sclerosis complex (PMID: 10227394, 15798777, 31019026, 31564432, 32211034, 34573383). Invitae Evidence Modeling of clinical and family history, age, sex, and reported ancestry of multiple individuals with this TSC1 variant has been performed. This variant is expected to be pathogenic with a positive predictive value of at least 99%. This is a validated machine learning model that incorporates the clinical features of 1,224,362 individuals referred to our laboratory for TSC1 testing. This variant is also known as 1719C>T R500X. ClinVar contains an entry for this variant (Variation ID: 48791). Algorithms developed to predict the effect of sequence changes on RNA splicing suggest that this variant may disrupt the consensus splice site. For these reasons, this variant has been classified as Pathogenic.

Genomic Medicine Center of Excellence, King Faisal Specialist Hospital and Research Centre
Classification: Likely pathogenic for Tuberous sclerosis 1. Last evaluated: 2024-12-18. Review status: criteria provided, single submitter. Criteria: ACMG Guidelines, 2015. Collection method: clinical testing. Allele origin: germline.

Fulgent Genetics
Classification: Pathogenic for Tuberous sclerosis 1; Lymphangiomyomatosis; Isolated focal cortical dysplasia type II. Last evaluated: 2024-01-02. Review status: criteria provided, single submitter. Criteria: ACMG Guidelines, 2015. Collection method: clinical testing. Allele origin: germline.

Blueprint Genetics
Classification: Pathogenic for TSC1-related disorders. Last evaluated: 2023-10-30. Review status: criteria provided, single submitter. Criteria: ACMG Guidelines, 2015. Collection method: clinical testing. Allele origin: germline. Affected: yes. Observed: 3 variant alleles.

GeneDx
Classification: Pathogenic. Last evaluated: 2023-03-06. Review status: criteria provided, single submitter. Criteria: GeneDx Variant Classification Process June 2021. Collection method: clinical testing. Allele origin: germline. Affected: yes.
Comment: Nonsense variant predicted to result in protein truncation or nonsense mediated decay in a gene for which loss-of-function is a known mechanism of disease; Not observed in large population cohorts (gnomAD); This variant is associated with the following publications: (PMID: 10363127, 17304050, 18032745, 31019026, 32211034, 26540169, 15798777, 25525159, 10227394, 31564432, 34403804, 34573383, 32917966, 35918040, 28614114)

3billion
Classification: Pathogenic for Tuberous sclerosis 1. Last evaluated: 2022-03-22. Review status: criteria provided, single submitter. Criteria: ACMG Guidelines, 2015. Collection method: clinical testing. Allele origin: germline. Affected: yes. Observed: 1 heterozygote.
Comment: Stop-gained (nonsense): predicted to result in a loss or disruption of normal protein function through nonsense-mediated decay (NMD) or protein truncation. Multiple pathogenic variants are reported downstream of the variant.It is not observed in the gnomAD v2.1.1 dataset. The variant has been reported at least twice as pathogenic/likely pathogenic with clinical assertions and evidence for the classification (ClinVar ID: VCV000048791, PMID:10227394). Therefore, this variant is classified as pathogenic according to the recommendation of ACMG/AMP guideline.

Genome-Nilou Lab
Classification: Pathogenic for Tuberous sclerosis 1. Last evaluated: 2021-11-07. Review status: criteria provided, single submitter. Criteria: ACMG Guidelines, 2015. Collection method: clinical testing. Allele origin: germline. Affected: no.

Revvity Omics, Revvity
Classification: Pathogenic. Last evaluated: 2021-03-03. Review status: criteria provided, single submitter. Criteria: ACMG Guidelines, 2015. Collection method: clinical testing. Allele origin: germline.

Ambry Genetics
Classification: Pathogenic for Hereditary cancer-predisposing syndrome. Last evaluated: 2020-03-30. Review status: criteria provided, single submitter. Criteria: Ambry Variant Classification Scheme 2023. Collection method: clinical testing. Allele origin: germline.
Comment: The p.R500* pathogenic mutation (also known as c.1498C>T), located in coding exon 13 of the TSC1 gene, results from a C to T substitution at nucleotide position 1498. This changes the amino acid from an arginine to a stop codon within coding exon 13. This mutation has been reported in multiple individuals with tuberous sclerosis complex (TSC) (Dabora SL et al. Ann. Hum. Genet., 1998 Nov;62:491-504; van Slegtenhorst M et al. J. Med. Genet., 1999 Apr;36:285-9; Niida Y et al. Hum. Mutat., 1999;14:412-22; Sancak O et al. Eur. J. Hum. Genet., 2005 Jun;13:731-41; Au KS et al. Genet. Med., 2007 Feb;9:88-100; Tyburczy ME et al. PLoS Genet., 2015 Nov;11:e1005637; Tan NBL et al. J. Pediatr. Gastroenterol. Nutr., 2017 10;65:e96). In addition to the clinical data presented in the literature, this alteration is expected to result in loss of function by premature protein truncation or nonsense-mediated mRNA decay. As such, this alteration is interpreted as a disease-causing mutation.

Centre for Mendelian Genomics, University Medical Centre Ljubljana
Classification: Pathogenic for Lymphangiomyomatosis. Last evaluated: 2016-01-01. Review status: criteria provided, single submitter. Criteria: ACMG Guidelines, 2015. Collection method: clinical testing. Allele origin: unknown. Affected: yes.
Comment: This variant was classified as: Pathogenic. The following ACMG criteria were applied in classifying this variant: PVS1,PM2,PM4,PP3,PP4,PP5.

Juno Genomics, Hangzhou Juno Genomics, Inc
Classification: Pathogenic for Tuberous sclerosis 1. Review status: criteria provided, single submitter. Criteria: ACMG Guidelines, 2015. Collection method: clinical testing. Allele origin: germline. Affected: yes.
Comment: Null variant in a gene where loss of function (LOF) is a known mechanism of disease.;Absent from controls (or at extremely low frequency if recessive) in Genome Aggregation Database, Exome Sequencing Project, 1000 Genomes Project, or Exome Aggregation Consortium.;The prevalence of the variant in affected individuals is significantly increased compared to the prevalence in controls.;De novo (both maternity and paternity confirmed) in a patient with the disease and no family history.

Division of Genomic Medicine, Department of Advanced Medicine, Medical Research Institute, Kanazawa Medical University
Classification: Pathogenic for Tuberous sclerosis 1. Last evaluated: 2020-06-09. Review status: no assertion criteria provided. Collection method: clinical testing. Allele origin: germline. Affected: yes. Observed: 1 variant allele. Not counted in ClinVar's aggregate classification.

Tuberous sclerosis database (TSC1)
No classification provided. Condition: TSC. Review status: no classification provided. Criteria: Tuberous Sclerosis Database Assertion Criteria 2015. Collection method: curation. Allele origin: germline. Affected: yes. Not counted in ClinVar's aggregate classification.

Literature cited by the submitters: PubMed 10227394 (cited by 3 submitters); PubMed 17304050 (cited by Labcorp Genetics (formerly Invitae), Labcorp and Ambry Genetics); PubMed 15798777 (cited by Labcorp Genetics (formerly Invitae), Labcorp and Ambry Genetics); PubMed 31019026 (cited by Labcorp Genetics (formerly Invitae), Labcorp); PubMed 31564432 (cited by Labcorp Genetics (formerly Invitae), Labcorp); PubMed 32211034 (cited by Labcorp Genetics (formerly Invitae), Labcorp); PubMed 34573383 (cited by Labcorp Genetics (formerly Invitae), Labcorp); PubMed 10363127 (cited by Ambry Genetics); PubMed 10533067 (cited by Ambry Genetics); PubMed 26540169 (cited by Ambry Genetics); PubMed 28614114 (cited by Ambry Genetics).